The following is an entry in ClinVar:

ClinVar aggregate classification (germline): Likely pathogenic (1 of 4 stars; one submission).

Conditions:
Nemaline myopathy 2 (NEM2). Also called: Nemaline myopathy 2, autosomal recessive. Identifiers: MedGen C1850569, MONDO:0009725, OMIM 256030.

Submission:

Natera, Inc.
Classification: Likely pathogenic for Nemaline myopathy type 2. Last evaluated: 2024-09-09. Review status: criteria provided, single submitter. Criteria: Natera Variant Classification Schema (03/2026). Collection method: clinical testing. Allele origin: germline.
Comment: The c.8426dup variant in NEB is a frameshift variant predicted to shift the reading frame beginning at codon 2810 and leads to a stop codon 4 codons downstream. This variant is expected to result in nonsense mediated decay, truncation, or a dysfunctional protein product. This variant is rare in the general population with a frequency below the threshold expected for the associated phenotype(s). Given the available evidence, this variant is classified as Likely Pathogenic.

NM_001164508.2(NEB):c.8426dup (p.Ala2810fs)

Gene: NEB (nebulin; minus strand). Cytogenetic location: 2q23.3.
Variant type: Duplication.
Coding change: c.8426dup on transcript NM_001164508.2 (MANE Select); coding-DNA position 8426, one base duplicated (G; older notation c.8426dupG).
Protein change: p.Ala2810fs; shifts the reading frame from alanine 2810.
Molecular consequence: frameshift variant.
Genome position (GRCh38, 1-based): chr2:151,640,614, C duplicated on the plus strand (G on the coding strand, the reverse complement: NEB is on the minus strand). VCF-style (leftmost placement, unchanged base first): chr2-151640613-T-TC. GRCh37 (hg19) VCF-style: chr2-152497127-T-TC.
Other names: c.8426dup, p.Ala2810fs (NM_001164507.2, NM_001271208.2, NM_004543.5); short protein forms A2810fs.
Identifiers: ClinVar variation 4814790 (VCV004814790.1).